The following is an entry in ClinVar:

ClinVar aggregate classification (germline): Likely benign (1 of 4 stars; one submission).

gnomAD v4.1: 7,375 of 1,451,688 alleles (0.51%); highest among the groups gnomAD compares: Non-Finnish European, 0.6%; 22 homozygotes.

Submissions (3):

CeGaT Center for Human Genetics Tuebingen
Classification: Likely benign. Last evaluated: 2026-04-01. Review status: criteria provided, single submitter. Criteria: CeGaT Center For Human Genetics Tuebingen Variant Classification Criteria Version 2. Collection method: clinical testing. Allele origin: germline. Affected: yes. Observed: 1 variant allele.
Comment: STK3: BS2

Dr. Peter K. Rogan Lab, Western University
No classification provided (evidence only). Condition: Sarcoma. Review status: no classification provided. Collection method: in vitro. Allele origin: not applicable. Functional consequence: retained intron. Not counted in ClinVar's aggregate classification.

Dr. Peter K. Rogan Lab, Western University
No classification provided (evidence only). Condition: Nonpapillary renal cell carcinoma. Review status: no classification provided. Collection method: in vitro. Allele origin: not applicable. Functional consequence: retained intron. Not counted in ClinVar's aggregate classification.

NM_006281.4(STK3):c.-21C>G

Genes: STK3 (serine/threonine kinase 3; minus strand), LOC130000816 (ATAC-STARR-seq lymphoblastoid silent region 19398; plus strand). Cytogenetic location: 8q22.2.
Variant type: single nucleotide variant.
Coding change: c.-21C>G on transcript NM_006281.4 (MANE Select); 21 bases upstream of the start codon, C replaced by G.
Molecular consequence: 5 prime UTR variant. On other transcripts: intron variant (1).
Genome position (GRCh38, 1-based): chr8:98,825,561, G>C on the plus strand (C>G on the coding strand, the complement: STK3 is on the minus strand). VCF-style: chr8-98825561-G-C. GRCh37 (hg19) VCF-style: chr8-99837789-G-C.
Other names: NC_000008.10:g.99837789G>C; c.-21C>G (NM_001256313.2); c.111-50742C>G (NM_001256312.2).
Identifiers: ClinVar variation 4349673 (VCV004349673.3).
Genomic context (GRCh38, chr8:98,825,561, plus strand): 5'-CCCCGATTCGTTACCTCTTAGGCGCCGGCGGCTGCTCCATGGCGGCCGGGGACAGAGAGA[G>C]GGACCTGGTGGACGGCGAAGGCCGAAAGGAGGAAAGGAGCCGGGGCACCGGCCGGCCGAG-3'